The following is an entry in ClinVar:

NM_000038.6(APC):c.2717C>G (p.Ser906Cys)

Gene: APC (APC regulator of Wnt signaling pathway; plus strand). Cytogenetic location: 5q22.2.
Variant type: single nucleotide variant.
Coding change: c.2717C>G on transcript NM_000038.6 (MANE Select); coding-DNA position 2717, C replaced by G.
Protein change: p.Ser906Cys; replaces serine 906 with cysteine.
Molecular consequence: missense variant.
Genome position (GRCh38, 1-based): chr5:112,838,311, C>G. VCF-style: chr5-112838311-C-G. GRCh37 (hg19) VCF-style: chr5-112174008-C-G.
Other names: c.2717C>G, p.Ser906Cys (NM_001127510.3, NM_001354895.2); c.2663C>G, p.Ser888Cys (NM_001127511.3); c.2771C>G, p.Ser924Cys (NM_001354896.2); c.2747C>G, p.Ser916Cys (NM_001354897.2); c.2642C>G, p.Ser881Cys (NM_001354898.2); c.2633C>G, p.Ser878Cys (NM_001354899.2); c.2594C>G, p.Ser865Cys (NM_001354900.2); c.2540C>G, p.Ser847Cys (NM_001354901.2); and 5 more; short protein forms S623C, S780C, S805C, S847C, S878C, S888C, S865C, S924C.
Identifiers: ClinVar variation 846321 (VCV000846321.12), dbSNP rs1554084407, ClinGen allele CA16027264.

ClinVar aggregate classification (germline): Uncertain significance. Review status: criteria provided, multiple submitters, no conflicts (2 of 4 stars). 2 submissions from 2 submitters: Uncertain significance (2). Last evaluated 2024-12-17.

Conditions:
Hereditary cancer-predisposing syndrome. Also called: Tumor predisposition; Hereditary neoplastic syndrome; Neoplastic Syndromes, Hereditary; Hereditary Cancer Syndrome. Identifiers: Orphanet 140162, MedGen C0027672, MeSH D009386, MONDO:0015356.
Familial adenomatous polyposis 1 (FAP1). Also called: FAMILIAL ADENOMATOUS POLYPOSIS 1, ATTENUATED; POLYPOSIS, ADENOMATOUS INTESTINAL. Identifiers: MedGen C2713442, MONDO:0021056, OMIM 175100. Disease mechanism: loss of function.

Submissions (2):

Ambry Genetics
Classification: Uncertain significance for Hereditary cancer-predisposing syndrome. Last evaluated: 2024-12-17. Review status: criteria provided, single submitter. Criteria: Ambry Variant Classification Scheme 2023. Collection method: clinical testing. Allele origin: germline.
Comment: The p.S906C variant (also known as c.2717C>G), located in coding exon 15 of the APC gene, results from a C to G substitution at nucleotide position 2717. The serine at codon 906 is replaced by cysteine, an amino acid with dissimilar properties. This amino acid position is conserved. In addition, in silico predictors for this gene do not accurately predict pathogenicity. Based on the available evidence, the clinical significance of this variant remains unclear.

Labcorp Genetics (formerly Invitae), Labcorp
Classification: Uncertain significance for Familial adenomatous polyposis 1. Last evaluated: 2022-10-05. Review status: criteria provided, single submitter. Criteria: Invitae Variant Classification Sherloc (09022015). Collection method: clinical testing. Allele origin: germline.
Comment: ClinVar contains an entry for this variant (Variation ID: 846321). Advanced modeling of protein sequence and biophysical properties (such as structural, functional, and spatial information, amino acid conservation, physicochemical variation, residue mobility, and thermodynamic stability) performed at Invitae indicates that this missense variant is not expected to disrupt APC protein function. In summary, the available evidence is currently insufficient to determine the role of this variant in disease. Therefore, it has been classified as a Variant of Uncertain Significance. This variant has not been reported in the literature in individuals affected with APC-related conditions. This sequence change replaces serine, which is neutral and polar, with cysteine, which is neutral and slightly polar, at codon 906 of the APC protein (p.Ser906Cys). This variant is not present in population databases (gnomAD no frequency).